The following is an entry in ClinVar:

ClinVar aggregate classification (germline): Benign/Likely benign. Review status: criteria provided, multiple submitters, no conflicts (2 of 4 stars). 3 submissions from 3 submitters: Benign (1); Likely benign (2). Last evaluated 2026-01-18.

Conditions:
CABP4-related disorder. Also called: CABP4-related condition.

Allele frequency attached by ClinVar (database versions not stated): TOPMed 0.00008; 1000 Genomes Project 30x 0.00031; ExAC 0.00012; 1000 Genomes Project 0.00020.
gnomAD v4.1: 90 of 1,614,052 alleles (0.0056%); highest among the groups gnomAD compares: Admixed American, 0.14%; no homozygotes.

Submissions (3):

Labcorp Genetics (formerly Invitae), Labcorp
Classification: Likely benign. Last evaluated: 2026-01-18. Review status: criteria provided, single submitter. Criteria: Invitae Variant Classification Sherloc (09022015). Collection method: clinical testing. Allele origin: germline.

PreventionGenetics, part of Exact Sciences
Classification: Likely benign for CABP4-related condition. Last evaluated: 2024-11-27. Review status: criteria provided, single submitter. Criteria: ACMG Guidelines, 2015. Collection method: clinical testing. Allele origin: germline.
Comment: This variant is classified as likely benign based on ACMG/AMP sequence variant interpretation guidelines (Richards et al. 2015 PMID: 25741868, with internal and published modifications).

Blueprint Genetics
Classification: Benign. Last evaluated: 2022-10-03. Review status: criteria provided, single submitter. Criteria: ACMG Guidelines, 2015. Collection method: clinical testing. Allele origin: germline.

NM_145200.5(CABP4):c.820C>G (p.Arg274Gly)

Gene: CABP4 (calcium binding protein 4; plus strand). Cytogenetic location: 11q13.2.
Variant type: single nucleotide variant.
Coding change: c.820C>G on transcript NM_145200.5 (MANE Select); coding-DNA position 820, C replaced by G.
Protein change: p.Arg274Gly; replaces arginine 274 with glycine.
Molecular consequence: missense variant. On other transcripts: non-coding transcript variant (1).
Genome position (GRCh38, 1-based): chr11:67,458,651, C>G. VCF-style: chr11-67458651-C-G. GRCh37 (hg19) VCF-style: chr11-67226122-C-G.
Other names: c.505C>G, p.Arg169Gly (NM_001300895.3, NM_001300896.3, NM_001379183.1); c.820C>G (NM_145200.3); short protein forms R169G, R274G.
Identifiers: ClinVar variation 1007029 (VCV001007029.11), dbSNP rs202142799, ClinGen allele CA6140373.
Genomic context (GRCh38, chr11:67,458,651, plus strand): 5'-TGACGTGGACTGACCCAAGCCCTGCCCTTCTCTCCCGCAGAGTTTGTGATGATGCTCTCC[C>G]GCCACTGAGGCTCCAGGAGGGAATATCTGTTGCCCCTGCGGCCCCAGACACCAGCCAGAC-3'
Protein context (NP_660201.1, residues 264-275): DFDEFVMMLS[Arg274Gly]H